The following is an entry in ClinVar:

ClinVar aggregate classification (germline): Uncertain significance (1 of 4 stars; one submission).

Conditions:
Andersen Tawil syndrome (LQT7). Also called: ANDERSEN CARDIODYSRHYTHMIC PERIODIC PARALYSIS; LONG QT SYNDROME 7; PERIODIC PARALYSIS, POTASSIUM-SENSITIVE CARDIODYSRHYTHMIC TYPE; Andersen Syndrome; Potassium-sensitive periodic paralysis, ventricular ectopy, and dysmorphic features. Identifiers: Orphanet 37553, MedGen C1563715, MONDO:0008222, OMIM 170390.
Short QT syndrome type 3. Identifiers: Orphanet 51083, MedGen C1865018, MONDO:0012314, OMIM 609622.

Submission:

Labcorp Genetics (formerly Invitae), Labcorp
Classification: Uncertain significance for Short QT syndrome type 3; Andersen Tawil syndrome. Last evaluated: 2017-06-12. Review status: criteria provided, single submitter. Criteria: Invitae Variant Classification Sherloc (09022015). Collection method: clinical testing. Allele origin: germline.
Comment: In summary, this variant has uncertain impact on KCNJ2 function. The available evidence is currently insufficient to determine its role in disease. Therefore, it has been classified as a Variant of Uncertain Significance. Algorithms developed to predict the effect of missense changes on protein structure and function (SIFT, PolyPhen-2, Align-GVGD) all suggest that this variant is likely to be disruptive, but these predictions have not been confirmed by published functional studies and their clinical significance is uncertain. This variant has not been reported in the literature in individuals with a KCNJ2-related disease. This variant is not present in population databases (ExAC no frequency). This sequence change replaces isoleucine with asparagine at codon 137 of the KCNJ2 protein (p.Ile137Asn). The isoleucine residue is highly conserved and there is a large physicochemical difference between isoleucine and asparagine.

NM_000891.3(KCNJ2):c.410T>A (p.Ile137Asn)

Gene: KCNJ2 (potassium inwardly rectifying channel subfamily J member 2; plus strand). Cytogenetic location: 17q24.3.
Variant type: single nucleotide variant.
Coding change: c.410T>A on transcript NM_000891.3 (MANE Select); coding-DNA position 410, T replaced by A.
Protein change: p.Ile137Asn; replaces isoleucine 137 with asparagine.
Molecular consequence: missense variant.
Genome position (GRCh38, 1-based): chr17:70,175,449, T>A. VCF-style: chr17-70175449-T-A. GRCh37 (hg19) VCF-style: chr17-68171590-T-A.
Other names: short protein forms I137N.
Identifiers: ClinVar variation 468466 (VCV000468466.8), dbSNP rs772055408, ClinGen allele CA400860538.